The following is an entry in ClinVar:

NM_000090.4(COL3A1):c.4162A>G (p.Lys1388Glu)

Gene: COL3A1 (collagen type III alpha 1 chain; plus strand). Cytogenetic location: 2q32.2.
Variant type: single nucleotide variant.
Coding change: c.4162A>G on transcript NM_000090.4 (MANE Select); coding-DNA position 4162, A replaced by G.
Protein change: p.Lys1388Glu; replaces lysine 1388 with glutamic acid.
Molecular consequence: missense variant.
Genome position (GRCh38, 1-based): chr2:189,010,798, A>G. VCF-style: chr2-189010798-A-G. GRCh37 (hg19) VCF-style: chr2-189875524-A-G.
Other names: short protein forms K1388E.
Identifiers: ClinVar variation 4800338 (VCV004800338.1).

ClinVar aggregate classification (germline): Uncertain significance (1 of 4 stars; one submission).

Conditions:
Ehlers-Danlos syndrome, type 4 (EDSVASC). Also called: Ehlers-Danlos syndrome vascular type; Ehlers Danlos syndrome, ecchymotic type; Ehlers Danlos syndrome, arterial type; Ehlers Danlos syndrome, Sack-Barabas type; Ehlers-Danlos Syndrome Type IV. Identifiers: Orphanet 286, MedGen C0268338, MONDO:0017314, OMIM 130050.

gnomAD v4.1: 1 of 1,614,056 alleles (0.000062%); highest among the groups gnomAD compares: Non-Finnish European, 0.000085%; no homozygotes.

Submission:

Labcorp Genetics (formerly Invitae), Labcorp
Classification: Uncertain significance for Ehlers-Danlos syndrome, type 4. Last evaluated: 2025-10-26. Review status: criteria provided, single submitter. Criteria: Invitae Variant Classification Sherloc (09022015). Collection method: clinical testing. Allele origin: germline.
Comment: This sequence change replaces lysine, which is basic and polar, with glutamic acid, which is acidic and polar, at codon 1388 of the COL3A1 protein (p.Lys1388Glu). This variant is present in population databases (no rsID available, gnomAD 0.007%). This variant has not been reported in the literature in individuals affected with COL3A1-related conditions. Invitae Evidence Modeling of protein sequence and biophysical properties (such as structural, functional, and spatial information, amino acid conservation, physicochemical variation, residue mobility, and thermodynamic stability) indicates that this missense variant is not expected to disrupt COL3A1 protein function with a negative predictive value of 95%. In summary, the available evidence is currently insufficient to determine the role of this variant in disease. Therefore, it has been classified as a Variant of Uncertain Significance.